The following is an entry in ClinVar:

ClinVar aggregate classification (germline): Uncertain significance. Review status: criteria provided, multiple submitters, no conflicts (2 of 4 stars). 2 submissions from 2 submitters: Uncertain significance (2). Last evaluated 2025-06-05.

Conditions:
Oligodontia-cancer predisposition syndrome. Also called: TOOTH AGENESIS-COLORECTAL CANCER SYNDROME. Identifiers: Orphanet 300576, MedGen C1837750, MONDO:0012075, OMIM 608615. Disease mechanism: loss of function.
Hereditary cancer-predisposing syndrome. Also called: Hereditary neoplastic syndrome; Neoplastic Syndromes, Hereditary; Tumor predisposition; Hereditary Cancer Syndrome. Identifiers: Orphanet 140162, MedGen C0027672, MeSH D009386, MONDO:0015356.

Submissions (2):

Ambry Genetics
Classification: Uncertain significance for Hereditary cancer-predisposing syndrome. Last evaluated: 2025-06-05. Review status: criteria provided, single submitter. Criteria: Ambry Variant Classification Scheme 2023. Collection method: clinical testing. Allele origin: germline.
Comment: The p.M685I variant (also known as c.2055G>A), located in coding exon 7 of the AXIN2 gene, results from a G to A substitution at nucleotide position 2055. The methionine at codon 685 is replaced by isoleucine, an amino acid with highly similar properties. This amino acid position is conserved. In addition, the in silico prediction for this alteration is inconclusive. Based on the available evidence, the clinical significance of this variant remains unclear.

Labcorp Genetics (formerly Invitae), Labcorp
Classification: Uncertain significance for Oligodontia-cancer predisposition syndrome. Last evaluated: 2017-11-08. Review status: criteria provided, single submitter. Criteria: Invitae Variant Classification Sherloc (09022015). Collection method: clinical testing. Allele origin: germline.
Comment: This variant has not been reported in the literature in individuals with AXIN2-related disease. This variant is not present in population databases (ExAC no frequency). This sequence change replaces methionine with isoleucine at codon 685 of the AXIN2 protein (p.Met685Ile). The methionine residue is highly conserved and there is a small physicochemical difference between methionine and isoleucine. Algorithms developed to predict the effect of missense changes on protein structure and function (SIFT, PolyPhen-2, Align-GVGD) all suggest that this variant is likely to be tolerated, but these predictions have not been confirmed by published functional studies and their clinical significance is uncertain. In summary, the available evidence is currently insufficient to determine the role of this variant in disease. Therefore, it has been classified as a Variant of Uncertain Significance.

NM_004655.4(AXIN2):c.2055G>A (p.Met685Ile)

Gene: AXIN2 (axin 2; minus strand). Cytogenetic location: 17q24.1.
Variant type: single nucleotide variant.
Coding change: c.2055G>A on transcript NM_004655.4 (MANE Select); coding-DNA position 2055, G replaced by A.
Protein change: p.Met685Ile; replaces methionine 685 with isoleucine.
Molecular consequence: missense variant.
Genome position (GRCh38, 1-based): chr17:65,536,406, C>T on the plus strand (G>A on the coding strand, the complement: AXIN2 is on the minus strand). VCF-style: chr17-65536406-C-T. GRCh37 (hg19) VCF-style: chr17-63532524-C-T.
Other names: c.2055G>A (LRG_296t1); c.1860G>A, p.Met620Ile (NM_001363813.1); short protein forms M685I, M620I.
Identifiers: ClinVar variation 533164 (VCV000533164.10), dbSNP rs1047911557, ClinGen allele CA293097775.